The following is an entry in ClinVar:

ClinVar aggregate classification (germline): Uncertain significance. Review status: criteria provided, multiple submitters, no conflicts (2 of 4 stars). 3 submissions from 3 submitters: Uncertain significance (3). Last evaluated 2026-02-01.

Conditions:
Sick sinus syndrome 3, susceptibility to (SSS3). Identifiers: Orphanet 166282, MedGen C3279791, MONDO:0013568, OMIM 614090.
Atrial septal defect 3 (ASD3). Identifiers: Orphanet 1478, MedGen C3279790, MONDO:0013567, OMIM 614089.
Dilated cardiomyopathy 1EE (CMD1EE). Identifiers: Orphanet 154, MedGen C2750466, MONDO:0013198, OMIM 613252.
Hypertrophic cardiomyopathy 14. Identifiers: MedGen C2750467, MONDO:0013197, OMIM 613251.
Cardiovascular phenotype. Identifiers: MedGen CN230736.

Allele frequency attached by ClinVar (database versions not stated): gnomAD exomes below 0.00001; TOPMed below 0.00001; ExAC 0.00001.
gnomAD v4.1: 1 of 1,613,870 alleles (0.000062%); highest among the groups gnomAD compares: Non-Finnish European, 0.000085%; no homozygotes.

Submissions (3):

CeGaT Center for Human Genetics Tuebingen
Classification: Uncertain significance. Last evaluated: 2026-02-01. Review status: criteria provided, single submitter. Criteria: CeGaT Center For Human Genetics Tuebingen Variant Classification Criteria Version 2. Collection method: clinical testing. Allele origin: germline. Affected: yes. Observed: 1 variant allele.
Comment: MYH6: PM2, PP3

Ambry Genetics
Classification: Uncertain significance for Cardiovascular phenotype. Last evaluated: 2023-12-10. Review status: criteria provided, single submitter. Criteria: Ambry Variant Classification Scheme 2023. Collection method: clinical testing. Allele origin: germline.
Comment: The p.E1801K variant (also known as c.5401G>A), located in coding exon 34 of the MYH6 gene, results from a G to A substitution at nucleotide position 5401. The glutamic acid at codon 1801 is replaced by lysine, an amino acid with similar properties. This amino acid position is conserved. In addition, this alteration is predicted to be deleterious by in silico analysis. Since supporting evidence is limited at this time, the clinical significance of this alteration remains unclear.

Juno Genomics, Hangzhou Juno Genomics, Inc
Classification: Uncertain significance for Atrial septal defect 3; Sick sinus syndrome 3, susceptibility to; Dilated cardiomyopathy 1EE; Hypertrophic cardiomyopathy 14. Review status: criteria provided, single submitter. Criteria: ACMG Guidelines, 2015. Collection method: clinical testing. Allele origin: germline.
Comment: Absent from controls (or at extremely low frequency if recessive) in Genome Aggregation Database.;Missense variant in a gene that has a low rate of benign missense variation.;Multiple lines of computational evidence support a deleterious effect on the gene or gene product.

NM_002471.4(MYH6):c.5401G>A (p.Glu1801Lys)

Gene: MYH6 (myosin heavy chain 6; minus strand). Cytogenetic location: 14q11.2.
Variant type: single nucleotide variant.
Coding change: c.5401G>A on transcript NM_002471.4 (MANE Select); coding-DNA position 5401, G replaced by A.
Protein change: p.Glu1801Lys; replaces glutamic acid 1801 with lysine.
Molecular consequence: missense variant.
Genome position (GRCh38, 1-based): chr14:23,384,606, C>T on the plus strand (G>A on the coding strand, the complement: MYH6 is on the minus strand). VCF-style: chr14-23384606-C-T. GRCh37 (hg19) VCF-style: chr14-23853815-C-T.
Other names: short protein forms E1801K.
Identifiers: ClinVar variation 3222354 (VCV003222354.6), dbSNP rs765389629, ClinGen allele CA7114441.